The following is an entry in ClinVar:

NM_002223.4(ITPR2):c.4452G>T (p.Met1484Ile)

Gene: ITPR2 (inositol 1,4,5-trisphosphate receptor type 2; minus strand). Cytogenetic location: 12p11.23.
Variant type: single nucleotide variant.
Coding change: c.4452G>T on transcript NM_002223.4 (MANE Select); coding-DNA position 4452, G replaced by T.
Protein change: p.Met1484Ile; replaces methionine 1484 with isoleucine.
Molecular consequence: missense variant.
Genome position (GRCh38, 1-based): chr12:26,580,084, C>A on the plus strand (G>T on the coding strand, the complement: ITPR2 is on the minus strand). VCF-style: chr12-26580084-C-A. GRCh37 (hg19) VCF-style: chr12-26733017-C-A.
Other names: c.4452G>T (NM_002223.2); short protein forms M1484I.
Identifiers: ClinVar variation 727163 (VCV000727163.6), dbSNP rs202218048, ClinGen allele CA6489019.

ClinVar aggregate classification (germline): Conflicting classifications of pathogenicity. Review status: criteria provided, conflicting classifications (1 of 4 stars). 3 submissions from 3 submitters: Uncertain significance (1); Benign (1). 1 of the submissions does not count toward it. Last evaluated 2025-08-03.

Conditions:
ITPR2-related disorder. Also called: ITPR2-related condition.

Allele frequency attached by ClinVar (database versions not stated): gnomAD 0.00013 and 0.00014; 1000 Genomes Project 0.00020; gnomAD exomes 0.00021 and 0.00112; 1000 Genomes Project 30x 0.00031; TOPMed 0.00054; ExAC 0.00100.

Submissions (3):

Ambry Genetics
Classification: Uncertain significance. Last evaluated: 2025-08-03. Review status: criteria provided, single submitter. Criteria: Ambry Variant Classification Scheme 2023. Collection method: clinical testing. Allele origin: germline.

Labcorp Genetics (formerly Invitae), Labcorp
Classification: Benign. Last evaluated: 2018-01-22. Review status: criteria provided, single submitter. Criteria: Invitae Variant Classification Sherloc (09022015). Collection method: clinical testing. Allele origin: germline.

PreventionGenetics, part of Exact Sciences
Classification: Benign for ITPR2-related condition. Last evaluated: 2019-12-03. Review status: no assertion criteria provided. Collection method: clinical testing. Allele origin: germline. Not counted in ClinVar's aggregate classification.
Comment: This variant is classified as benign based on ACMG/AMP sequence variant interpretation guidelines (Richards et al. 2015 PMID: 25741868, with internal and published modifications).